The following is an entry in ClinVar:

ClinVar aggregate classification (germline): Uncertain significance (1 of 4 stars; one submission).

Conditions:
Long QT syndrome (LQTS). Identifiers: MedGen C0023976, MeSH D008133, MONDO:0002442. Disease mechanism: loss of function. Inheritance: Various modes of inheritance.

gnomAD v4.1: 1 of 1,614,098 alleles (0.000062%); highest among the groups gnomAD compares: Non-Finnish European, 0.000085%; no homozygotes.

Submission:

Labcorp Genetics (formerly Invitae), Labcorp
Classification: Uncertain significance for Long QT syndrome. Last evaluated: 2024-01-16. Review status: criteria provided, single submitter. Criteria: Invitae Variant Classification Sherloc (09022015). Collection method: clinical testing. Allele origin: germline.
Comment: This sequence change replaces glycine, which is neutral and non-polar, with valine, which is neutral and non-polar, at codon 3821 of the ANK2 protein (p.Gly3821Val). This variant is not present in population databases (gnomAD no frequency). This variant has not been reported in the literature in individuals affected with ANK2-related conditions. Advanced modeling of protein sequence and biophysical properties (such as structural, functional, and spatial information, amino acid conservation, physicochemical variation, residue mobility, and thermodynamic stability) performed at Invitae indicates that this missense variant is not expected to disrupt ANK2 protein function with a negative predictive value of 80%. In summary, the available evidence is currently insufficient to determine the role of this variant in disease. Therefore, it has been classified as a Variant of Uncertain Significance.

NM_001148.6(ANK2):c.11462G>T (p.Gly3821Val)

Gene: ANK2 (ankyrin 2; plus strand). Cytogenetic location: 4q26.
Variant type: single nucleotide variant.
Coding change: c.11462G>T on transcript NM_001148.6 (MANE Select); coding-DNA position 11462, G replaced by T.
Protein change: p.Gly3821Val; replaces glycine 3821 with valine.
Molecular consequence: missense variant.
Genome position (GRCh38, 1-based): chr4:113,369,657, G>T. VCF-style: chr4-113369657-G-T. GRCh37 (hg19) VCF-style: chr4-114290813-G-T.
Other names: c.5180G>T, p.Gly1727Val (NM_001127493.3); c.5219G>T, p.Gly1740Val (NM_001354225.2); c.5108G>T, p.Gly1703Val (NM_001354228.2, NM_001354258.2); c.5186G>T, p.Gly1729Val (NM_001354230.2); c.5249G>T, p.Gly1750Val (NM_001354231.2, NM_001354242.2); c.5243G>T, p.Gly1748Val (NM_001354232.2); c.5204G>T, p.Gly1735Val (NM_001354235.2, NM_001354246.2, NM_001354265.2); c.5105G>T, p.Gly1702Val (NM_001354236.2); and 35 more; short protein forms G1575V, G1608V, G1649V, G1681V, G1691V, G1715V, G1735V, G1658V.
Identifiers: ClinVar variation 2742421 (VCV002742421.3), dbSNP rs746712920, ClinGen allele CA357942770.